The following is an entry in ClinVar:

ClinVar aggregate classification (germline): Uncertain significance (1 of 4 stars; one submission).

Submission:

Labcorp Genetics (formerly Invitae), Labcorp
Classification: Uncertain significance. Last evaluated: 2025-01-19. Review status: criteria provided, single submitter. Criteria: Invitae Variant Classification Sherloc (09022015). Collection method: clinical testing. Allele origin: germline.
Comment: This sequence change replaces alanine, which is neutral and non-polar, with glutamic acid, which is acidic and polar, at codon 546 of the SETBP1 protein (p.Ala546Glu). This variant is not present in population databases (gnomAD no frequency). This variant has not been reported in the literature in individuals affected with SETBP1-related conditions. Invitae Evidence Modeling of protein sequence and biophysical properties (such as structural, functional, and spatial information, amino acid conservation, physicochemical variation, residue mobility, and thermodynamic stability) indicates that this missense variant is not expected to disrupt SETBP1 protein function with a negative predictive value of 80%. In summary, the available evidence is currently insufficient to determine the role of this variant in disease. Therefore, it has been classified as a Variant of Uncertain Significance.

NM_015559.3(SETBP1):c.1637C>A (p.Ala546Glu)

Gene: SETBP1 (SET binding protein 1; plus strand). Cytogenetic location: 18q12.3.
Variant type: single nucleotide variant.
Coding change: c.1637C>A on transcript NM_015559.3 (MANE Select); coding-DNA position 1637, C replaced by A.
Protein change: p.Ala546Glu; replaces alanine 546 with glutamic acid.
Molecular consequence: missense variant.
Genome position (GRCh38, 1-based): chr18:44,950,977, C>A. VCF-style: chr18-44950977-C-A. GRCh37 (hg19) VCF-style: chr18-42530942-C-A.
Other names: c.1637C>A, p.Ala546Glu (NM_001379141.1, NM_001379142.1, NM_001410862.1); short protein forms A546E.
Identifiers: ClinVar variation 3714516 (VCV003714516.2).